The following is an entry in ClinVar:

NM_006231.4(POLE):c.1995G>T (p.Arg665=)

Gene: POLE (DNA polymerase epsilon, catalytic subunit; minus strand). Cytogenetic location: 12q24.33.
Variant type: single nucleotide variant.
Coding change: c.1995G>T on transcript NM_006231.4 (MANE Select); coding-DNA position 1995, G replaced by T.
Protein change: p.Arg665=; no amino-acid change (arginine 665 retained).
Molecular consequence: synonymous variant.
Genome position (GRCh38, 1-based): chr12:132,668,666, C>A on the plus strand (G>T on the coding strand, the complement: POLE is on the minus strand). VCF-style: chr12-132668666-C-A. GRCh37 (hg19) VCF-style: chr12-133245252-C-A.
Identifiers: ClinVar variation 1521663 (VCV001521663.8), dbSNP rs2135977935, ClinGen allele CA482849390.

ClinVar aggregate classification (germline): Uncertain significance (1 of 4 stars; one submission).

Submission:

Labcorp Genetics (formerly Invitae), Labcorp
Classification: Uncertain significance. Last evaluated: 2021-03-31. Review status: criteria provided, single submitter. Criteria: Invitae Variant Classification Sherloc (09022015). Collection method: clinical testing. Allele origin: germline.
Comment: In summary, the available evidence is currently insufficient to determine the role of this variant in disease. Therefore, it has been classified as a Variant of Uncertain Significance. Algorithms developed to predict the effect of sequence changes on RNA splicing suggest that this variant may create or strengthen a splice site, but this prediction has not been confirmed by published transcriptional studies. This variant has not been reported in the literature in individuals with POLE-related conditions. This variant is not present in population databases (ExAC no frequency). This sequence change affects codon 665 of the POLE mRNA. It is a 'silent' change, meaning that it does not change the encoded amino acid sequence of the POLE protein.